The following is an entry in ClinVar:

ClinVar aggregate classification (germline): Uncertain significance. Review status: criteria provided, multiple submitters, no conflicts (2 of 4 stars). 2 submissions from 2 submitters: Uncertain significance (2). Last evaluated 2025-10-01.

Allele frequency attached by ClinVar (database versions not stated): gnomAD exomes 0.00001; TOPMed 0.00001.
gnomAD v4.1: 13 of 1,550,640 alleles (0.00084%); highest among the groups gnomAD compares: East Asian, 0.0024%; no homozygotes.

Submissions (2):

CeGaT Center for Human Genetics Tuebingen
Classification: Uncertain significance. Last evaluated: 2025-10-01. Review status: criteria provided, single submitter. Criteria: CeGaT Center For Human Genetics Tuebingen Variant Classification Criteria Version 2. Collection method: clinical testing. Allele origin: germline. Affected: yes. Observed: 1 variant allele.
Comment: OTOG: PM2

Labcorp Genetics (formerly Invitae), Labcorp
Classification: Uncertain significance. Last evaluated: 2022-12-07. Review status: criteria provided, single submitter. Criteria: Invitae Variant Classification Sherloc (09022015). Collection method: clinical testing. Allele origin: germline.
Comment: In summary, the available evidence is currently insufficient to determine the role of this variant in disease. Therefore, it has been classified as a Variant of Uncertain Significance. Algorithms developed to predict the effect of missense changes on protein structure and function are either unavailable or do not agree on the potential impact of this missense change (SIFT: "Deleterious"; PolyPhen-2: "Probably Damaging"; Align-GVGD: "Class C0"). This variant has not been reported in the literature in individuals affected with OTOG-related conditions. This variant is present in population databases (no rsID available, gnomAD 0.01%). This sequence change replaces valine, which is neutral and non-polar, with methionine, which is neutral and non-polar, at codon 1005 of the OTOG protein (p.Val1005Met).

NM_001292063.2(OTOG):c.2977G>A (p.Val993Met)

Gene: OTOG (otogelin; plus strand). Cytogenetic location: 11p15.1.
Variant type: single nucleotide variant.
Coding change: c.2977G>A on transcript NM_001292063.2 (MANE Select); coding-DNA position 2977, G replaced by A.
Protein change: p.Val993Met; replaces valine 993 with methionine.
Molecular consequence: missense variant.
Genome position (GRCh38, 1-based): chr11:17,591,559, G>A. VCF-style: chr11-17591559-G-A. GRCh37 (hg19) VCF-style: chr11-17613106-G-A.
Other names: c.3013G>A, p.Val1005Met (NM_001277269.2); short protein forms V1005M, V993M.
Identifiers: ClinVar variation 3021825 (VCV003021825.8), dbSNP rs921843755, ClinGen allele CA218459294.